The following is an entry in ClinVar:

ClinVar aggregate classification (germline): Likely benign (1 of 4 stars; one submission).

Conditions:
Rhabdoid tumor predisposition syndrome 2 (RTPS2). Identifiers: Orphanet 231108, Orphanet 69077, MedGen C2750074, MONDO:0013224, OMIM 613325.

Submission:

Myriad Genetics, Inc.
Classification: Likely benign for Rhabdoid tumor predisposition syndrome 2. Last evaluated: 2026-07-08. Review status: criteria provided, single submitter. Criteria: Myriad Autosomal Dominant, Autosomal Recessive and X-Linked Classification Criteria (2023). Collection method: clinical testing. Allele origin: unknown.
Comment: This variant is considered likely benign. This variant is intronic and is not expected to impact mRNA splicing.

NM_003072.5(SMARCA4):c.3874-17A>C

Gene: SMARCA4 (SWI/SNF related BAF chromatin remodeling complex subunit ATPase 4; plus strand). Cytogenetic location: 19p13.2.
Variant type: single nucleotide variant.
Coding change: c.3874-17A>C on transcript NM_003072.5 (MANE Select); 17 bases into the intron before coding-DNA position 3874, A replaced by C.
Molecular consequence: intron variant.
Genome position (GRCh38, 1-based): chr19:11,034,106, A>C. VCF-style: chr19-11034106-A-C. GRCh37 (hg19) VCF-style: chr19-11144782-A-C.
Other names: c.3874-17A>C (NM_001128844.3, NM_001128849.3, NM_001387283.1); c.3775-17A>C (NM_001128847.4, NM_001411150.1, NM_001374457.1 and 3 more transcripts).
Identifiers: ClinVar variation 5042076 (VCV005042076.1).